The following is an entry in ClinVar:

ClinVar aggregate classification (germline): Uncertain significance (1 of 4 stars; one submission).

Conditions:
Nuclear pulverulent cataract (CTRCT2). Identifiers: MedGen C1852438, HP:0010698.

Submission:

Labcorp Genetics (formerly Invitae), Labcorp
Classification: Uncertain significance for Nuclear pulverulent cataract. Last evaluated: 2024-09-13. Review status: criteria provided, single submitter. Criteria: Invitae Variant Classification Sherloc (09022015). Collection method: clinical testing. Allele origin: germline.
Comment: This variant, c.126_128del, results in the deletion of 1 amino acid(s) of the CRYGC protein (p.Cys42del), but otherwise preserves the integrity of the reading frame. This variant is not present in population databases (gnomAD no frequency). This variant has not been reported in the literature in individuals affected with CRYGC-related conditions. Experimental studies and prediction algorithms are not available or were not evaluated, and the functional significance of this variant is currently unknown. In summary, the available evidence is currently insufficient to determine the role of this variant in disease. Therefore, it has been classified as a Variant of Uncertain Significance.

NM_020989.4(CRYGC):c.123CTG[1] (p.Cys42del)

Genes: CRYGC (crystallin gamma C; minus strand), LOC100507443 (uncharacterized LOC100507443; plus strand). Cytogenetic location: 2q33.3.
Variant type: Microsatellite.
Coding change: c.123CTG[1] on transcript NM_020989.4 (MANE Select); one copy of the 3-base unit CTG starting at c.123; the reference has two copies in a row; one copy, 3 bases deleted.
Protein change: p.Cys42del; deletes cysteine 42.
Genome position (GRCh38, 1-based): chr2:208,129,565-208,129,567, CAG deleted on the plus strand (CTG on the coding strand, the reverse complement: CRYGC is on the minus strand); deleting any 3 consecutive bases within chr2:208,129,565-208,129,571 gives the same sequence; the position shown is the placement nearest the transcript's 3' end. VCF-style (leftmost placement, unchanged base first): chr2-208129564-CCAG-C. GRCh37 (hg19) VCF-style: chr2-208994288-CCAG-C.
Other names: short protein forms C42del.
Identifiers: ClinVar variation 3662161 (VCV003662161.2).